The following is an entry in ClinVar:

NM_025132.4(WDR19):c.1462C>T (p.Leu488Phe)

Gene: WDR19 (WD repeat domain 19; plus strand). Cytogenetic location: 4p14.
Variant type: single nucleotide variant.
Coding change: c.1462C>T on transcript NM_025132.4 (MANE Select); coding-DNA position 1462, C replaced by T.
Protein change: p.Leu488Phe; replaces leucine 488 with phenylalanine.
Molecular consequence: missense variant.
Genome position (GRCh38, 1-based): chr4:39,218,088, C>T. VCF-style: chr4-39218088-C-T. GRCh37 (hg19) VCF-style: chr4-39219708-C-T.
Other names: c.982C>T, p.Leu328Phe (NM_001317924.2); short protein forms L328F, L488F.
Identifiers: ClinVar variation 1213951 (VCV001213951.10), dbSNP rs1560503998, ClinGen allele CA356631305.

ClinVar aggregate classification (germline): Uncertain significance. Review status: criteria provided, multiple submitters, no conflicts (2 of 4 stars). 4 submissions from 4 submitters: Uncertain significance (4). Last evaluated 2025-12-15.

Conditions:
Cone dystrophy. Identifiers: Orphanet 1871, MedGen C0730290, MONDO:0000455.
Asphyxiating thoracic dystrophy 5 (SRTD5). Also called: SHORT-RIB THORACIC DYSPLASIA 5 WITH OR WITHOUT POLYDACTYLY; SHORT-RIB THORACIC DYSPLASIA 5 WITHOUT POLYDACTYLY. Identifiers: Orphanet 474, MedGen C3280598, MONDO:0013717, OMIM 614376.
Cranioectodermal dysplasia 4 (CED4). Identifiers: Orphanet 1515, MedGen C3280616, MONDO:0013719, OMIM 614378.
Spermatogenic failure 72 (SPGF72). Identifiers: MedGen C5676980, MONDO:0030809, OMIM 619867.
Nephronophthisis 13 (NPHP13). Identifiers: Orphanet 655, MedGen C3280612, MONDO:0013718, OMIM 614377.
Senior-Loken syndrome 8 (SLSN8). Identifiers: Orphanet 3156, MedGen C4225376, MONDO:0014579, OMIM 616307.

Allele frequency attached by ClinVar (database versions not stated): gnomAD exomes below 0.00001.
gnomAD v4.1: 3 of 1,613,830 alleles (0.00019%); no homozygotes.

Submissions (4):

Labcorp Genetics (formerly Invitae), Labcorp
Classification: Uncertain significance for Senior-Loken syndrome 8; Asphyxiating thoracic dystrophy 5. Last evaluated: 2025-12-15. Review status: criteria provided, single submitter. Criteria: Invitae Variant Classification Sherloc (09022015). Collection method: clinical testing. Allele origin: germline.
Comment: This sequence change replaces leucine, which is neutral and non-polar, with phenylalanine, which is neutral and non-polar, at codon 488 of the WDR19 protein (p.Leu488Phe). This variant is not present in population databases (gnomAD no frequency). This missense change has been observed in individual(s) with retinitis pigmentosa (PMID: 40183892). ClinVar contains an entry for this variant (Variation ID: 1213951). Invitae Evidence Modeling of protein sequence and biophysical properties (such as structural, functional, and spatial information, amino acid conservation, physicochemical variation, residue mobility, and thermodynamic stability) indicates that this missense variant is not expected to disrupt WDR19 protein function with a negative predictive value of 80%. In summary, the available evidence is currently insufficient to determine the role of this variant in disease. Therefore, it has been classified as a Variant of Uncertain Significance.

Fulgent Genetics
Classification: Uncertain significance for Asphyxiating thoracic dystrophy 5; Nephronophthisis 13; Cranioectodermal dysplasia 4; Senior-Loken syndrome 8; Spermatogenic failure 72. Last evaluated: 2024-02-20. Review status: criteria provided, single submitter. Criteria: ACMG Guidelines, 2015. Collection method: clinical testing. Allele origin: germline.

Blueprint Genetics
Classification: Uncertain significance. Last evaluated: 2024-01-08. Review status: criteria provided, single submitter. Criteria: ACMG Guidelines, 2015. Collection method: clinical testing. Allele origin: germline.

DBGen Ocular Genomics
Classification: Uncertain significance for Cone dystrophy. Last evaluated: 2021-06-28. Review status: criteria provided, single submitter. Criteria: ACMG Guidelines, 2015. Collection method: clinical testing. Allele origin: germline. Affected: yes. Observed: 1 variant allele.

Literature cited by the submitters: PubMed 40183892 (cited by Labcorp Genetics (formerly Invitae), Labcorp).